The following continues an entry in ClinVar:

NM_000138.5(FBN1):c.7379A>G (p.Lys2460Arg)

Gene: FBN1. ClinVar aggregate classification (germline): Conflicting classifications of pathogenicity. Uncertain significance (10); Likely benign (1).

Submissions 7 to 17 of 17:

All of Us Research Program, National Institutes of Health
Classification: Uncertain significance for Marfan syndrome. Last evaluated: 2024-01-11. Review status: criteria provided, single submitter. Criteria: ACMG Guidelines, 2015. Collection method: clinical testing. Allele origin: germline. Inheritance: Autosomal dominant inheritance. Observed: 26 variant alleles, 26 heterozygotes.
Comment: This missense variant replaces lysine with arginine at codon 2460 of the FBN1 protein. Computational prediction suggests that this variant may have deleterious impact on protein structure and function (internally defined REVEL score threshold >= 0.7, PMID: 27666373). Splice site prediction tools suggest that this variant may impact RNA splicing. However, an RNA study showed no abnormal splicing (PMID: 32123317). This variant has been reported in one individual affected with Marfan syndrome or Marfan-like phenotype (PMID: 17627385, 21895641) and in an individual affected with bicuspid aortic valve, a common congenital heart defect with increased prevalence of aortic dilatation/dissection (PMID: 30255099). This variant was also reported in an individual with aortic dissection and suspected hereditary thoracic aortic disease (PMID: 29907982) along with another individual who was affected with non-syndromic heritable thoracic aortic disorder (PMID: 25644172). This variant has also been identified in 20/282708 chromosomes in the general population by the Genome Aggregation Database (gnomAD). The available evidence is insufficient to determine the role of this variant in disease conclusively. Therefore, this variant is classified as a Variant of Uncertain Significance.

This study involves interpretation of variants in research participants for the purpose of population health screening. Participant phenotype was not available at the time of variant classification. Additional details can be found in publication PMID: 35346344, PMCID: PMC8962531

Blueprint Genetics
Classification: Likely benign. Last evaluated: 2023-08-23. Review status: criteria provided, single submitter. Criteria: ACMG Guidelines, 2015. Collection method: clinical testing. Allele origin: germline.

Greenwood Genetic Center Diagnostic Laboratories, Greenwood Genetic Center
Classification: Uncertain significance. Last evaluated: 2021-03-16. Review status: criteria provided, single submitter. Criteria: ACMG Guidelines, 2015. Collection method: clinical testing. Allele origin: germline. Affected: yes.
Comment: No ACMG evidence could be applied applied

CeGaT Center for Human Genetics Tuebingen
Classification: Uncertain significance. Last evaluated: 2019-04-01. Review status: criteria provided, single submitter. Criteria: CeGaT Center For Human Genetics Tuebingen Variant Classification Criteria Version 2. Collection method: clinical testing. Allele origin: germline. Affected: yes. Observed: 1 variant allele.

Laboratory for Molecular Medicine, Mass General Brigham Personalized Medicine
Classification: Uncertain significance. Last evaluated: 2016-07-26. Review status: criteria provided, single submitter. Criteria: LMM Criteria. Collection method: clinical testing. Allele origin: germline.
Comment: Variant identified in a genome or exome case(s) and assessed due to predicted null impact of the variant or pathogenic assertions in the literature or databases. Disclaimer: This variant has not undergone full assessment. The following are preliminary notes: Reported in 1 Marfan proband, 4/5 papers in HGMD classify as VUS due to presence in ESP. ClinVar: 2 VUS

PreventionGenetics, part of Exact Sciences
Classification: Uncertain significance for FBN1-related condition. Last evaluated: 2024-01-16. Review status: no assertion criteria provided. Collection method: clinical testing. Allele origin: germline. Not counted in ClinVar's aggregate classification.
Comment: The FBN1 c.7379A>G variant is predicted to result in the amino acid substitution p.Lys2460Arg. This variant was reported in multiple individuals with Marfan syndrome or related aortopathies (Howarth et al. 2007. PubMed ID: 17627385; Robinson et al. 2012. PubMed ID: 21895641; Campens et al. 2015. PubMed ID: 25644172; Growth et al. 2016. PubMed ID: 25812041). However, this variant was also found to co-occur with other rare variants in genes associated with Marfan syndrome phenotypes (Table S1, Overwater et al. 2018. PubMed ID: 29907982; Sticchi et al. 2018. PubMed ID: 30255099). This variant is reported in 0.015% of alleles in individuals of European (Non-Finnish) descent in gnomAD, which is more common than expected for disease-causing variant. At this time, the clinical significance of this variant is uncertain due to the absence of conclusive functional and genetic evidence.

Center for Medical Genetics Ghent, University of Ghent
Classification: Uncertain significance for Marfan syndrome. Last evaluated: 2017-11-07. Review status: no assertion criteria provided. Collection method: clinical testing. Allele origin: germline. Affected: yes. Not counted in ClinVar's aggregate classification.

CSER _CC_NCGL, University of Washington
Classification: Uncertain significance for Marfan syndrome. Last evaluated: 2014-06-01. Review status: no assertion criteria provided. Collection method: research. Allele origin: germline. Inheritance: Autosomal dominant inheritance. Study: ESP 6500 variant annotation. Not counted in ClinVar's aggregate classification.
Comment: Variants classified for the Actionable exomic incidental findings in 6503 participants: challenges of variant classification manuscript

Clinical Genetics DNA and cytogenetics Diagnostics Lab, Erasmus MC, Erasmus Medical Center
Classification: Uncertain significance. Review status: no assertion criteria provided. Collection method: clinical testing. Allele origin: germline. Affected: yes. Study: VKGL Data-share Consensus. Not counted in ClinVar's aggregate classification.

Genome Diagnostics Laboratory, Amsterdam University Medical Center
Classification: Uncertain significance. Review status: no assertion criteria provided. Collection method: clinical testing. Allele origin: germline. Affected: yes. Study: VKGL Data-share Consensus. Not counted in ClinVar's aggregate classification.

Joint Genome Diagnostic Labs from Nijmegen and Maastricht, Radboudumc and MUMC+
Classification: Uncertain significance. Review status: no assertion criteria provided. Collection method: clinical testing. Allele origin: germline. Affected: yes. Study: VKGL Data-share Consensus. Not counted in ClinVar's aggregate classification.

Literature cited by the submitters: PubMed 17627385 (cited by 5 submitters); PubMed 21895641 (cited by 5 submitters); PubMed 24055113 (cited by Women's Health and Genetics/Laboratory Corporation of America, LabCorp and Ambry Genetics); PubMed 24941995 (cited by Women's Health and Genetics/Laboratory Corporation of America, LabCorp); PubMed 29907982 (cited by 5 submitters); PubMed 30255099 (cited by 5 submitters); PubMed 25644172 (cited by 4 submitters); PubMed 32123317 (cited by Color Diagnostics, LLC DBA Color Health and All of Us Research Program, National Institutes of Health); PubMed 38534782 (cited by Color Diagnostics, LLC DBA Color Health); PubMed 39402625 (cited by Color Diagnostics, LLC DBA Color Health); PubMed 25637381 (cited by Ambry Genetics).